The following is an entry in ClinVar:

ClinVar aggregate classification (germline): Likely benign (1 of 4 stars; one submission).

gnomAD v4.1: 4 of 1,614,168 alleles (0.00025%); highest among the groups gnomAD compares: Middle Eastern, 0.033%; 1 homozygote.

Submission:

CeGaT Center for Human Genetics Tuebingen
Classification: Likely benign. Last evaluated: 2026-06-01. Review status: criteria provided, single submitter. Criteria: CeGaT Center For Human Genetics Tuebingen Variant Classification Criteria Version 2. Collection method: clinical testing. Allele origin: germline. Affected: yes. Observed: 1 variant allele.
Comment: LAMA1: BP4, BP7

NM_005559.4(LAMA1):c.2508T>C (p.Tyr836=)

Gene: LAMA1 (laminin subunit alpha 1; minus strand). Cytogenetic location: 18p11.31.
Variant type: single nucleotide variant.
Coding change: c.2508T>C on transcript NM_005559.4 (MANE Select); coding-DNA position 2508, T replaced by C.
Protein change: p.Tyr836=; no amino-acid change (tyrosine 836 retained).
Molecular consequence: synonymous variant.
Genome position (GRCh38, 1-based): chr18:7,023,357, A>G on the plus strand (T>C on the coding strand, the complement: LAMA1 is on the minus strand). VCF-style: chr18-7023357-A-G. GRCh37 (hg19) VCF-style: chr18-7023356-A-G.
Identifiers: ClinVar variation 4873781 (VCV004873781.2).